The following is an entry in ClinVar:

ClinVar aggregate classification (germline): Pathogenic/Likely pathogenic. Review status: criteria provided, multiple submitters, no conflicts (2 of 4 stars). 3 submissions from 3 submitters: Pathogenic (2); Likely pathogenic (1). Last evaluated 2025-08-07.

Conditions:
Anemia, congenital dyserythropoietic, type 1a (CDAN1A). Also called: DYSERYTHROPOIETIC ANEMIA, CONGENITAL, TYPE Ia; CDAN1-Related Congenital Dyserythropoietic Anemia. Identifiers: MedGen C5574667, MONDO:0009135, OMIM 224120.
CDAN1-related disorder. Also called: CDAN1-related condition.

Allele frequency attached by ClinVar (database versions not stated): gnomAD exomes below 0.00001; TOPMed below 0.00001; ExAC 0.00001; ESP Exome Variant Server 0.00008.

Submissions (3):

Labcorp Genetics (formerly Invitae), Labcorp
Classification: Pathogenic. Last evaluated: 2025-08-07. Review status: criteria provided, single submitter. Criteria: Invitae Variant Classification Sherloc (09022015). Collection method: clinical testing. Allele origin: germline.
Comment: This sequence change creates a premature translational stop signal (p.Met533Tyrfs*5) in the CDAN1 gene. It is expected to result in an absent or disrupted protein product. Loss-of-function variants in CDAN1 are known to be pathogenic (PMID: 16098079, 16141353). This variant is present in population databases (rs778822407, gnomAD 0.0009%). This variant has not been reported in the literature in individuals affected with CDAN1-related conditions. ClinVar contains an entry for this variant (Variation ID: 2920867). Algorithms developed to predict the effect of sequence changes on RNA splicing suggest that this variant may disrupt the consensus splice site. For these reasons, this variant has been classified as Pathogenic.

ARUP Laboratories, Molecular Genetics and Genomics, ARUP Laboratories
Classification: Pathogenic for Anemia, congenital dyserythropoietic, type 1a. Last evaluated: 2023-02-01. Review status: criteria provided, single submitter. Criteria: ARUP Molecular Germline Variant Investigation Process 2024. Collection method: clinical testing. Allele origin: germline.
Comment: The CDAN1 c.1596dup; p.Met533TyrfsTer5 variant (rs778822407), to our knowledge, is not reported in the medical literature or gene specific databases. This variant is only observed on one allele in the Genome Aggregation Database, indicating it is not a common polymorphism. This variant causes a frameshift by inserting a single nucleotide, so it is predicted to result in a truncated protein or mRNA subject to nonsense-mediated decay. Based on available information, this variant is considered to be pathogenic.

Blueprint Genetics
Classification: Likely pathogenic for CDAN1-related disorders. Last evaluated: 2022-07-17. Review status: criteria provided, single submitter. Criteria: ACMG Guidelines, 2015. Collection method: clinical testing. Allele origin: germline. Affected: yes. Observed: 2 variant alleles.

Literature cited by the submitters: PubMed 16098079 (cited by Labcorp Genetics (formerly Invitae), Labcorp); PubMed 16141353 (cited by Labcorp Genetics (formerly Invitae), Labcorp).

NM_138477.4(CDAN1):c.1596dup (p.Met533fs)

Gene: CDAN1 (codanin 1; minus strand). Cytogenetic location: 15q15.2.
Variant type: Duplication.
Coding change: c.1596dup on transcript NM_138477.4 (MANE Select); coding-DNA position 1596, one base duplicated (T; older notation c.1596dupT).
Protein change: p.Met533fs; shifts the reading frame from methionine 533.
Molecular consequence: frameshift variant.
Genome position (GRCh38, 1-based): chr15:42,731,763, A duplicated on the plus strand (T on the coding strand, the reverse complement: CDAN1 is on the minus strand). VCF-style (leftmost placement, unchanged base first): chr15-42731762-T-TA. GRCh37 (hg19) VCF-style: chr15-43023960-T-TA.
Other names: short protein forms M533fs.
Identifiers: ClinVar variation 2920867 (VCV002920867.4), dbSNP rs778822407, ClinGen allele CA7515989.